The following is an entry in ClinVar:

NM_000179.3(MSH6):c.2851C>T (p.Leu951Phe)

Gene: MSH6 (mutS homolog 6; plus strand). Cytogenetic location: 2p16.3.
Variant type: single nucleotide variant.
Coding change: c.2851C>T on transcript NM_000179.3 (MANE Select); coding-DNA position 2851, C replaced by T.
Protein change: p.Leu951Phe; replaces leucine 951 with phenylalanine.
Molecular consequence: missense variant.
Genome position (GRCh38, 1-based): chr2:47,800,834, C>T. VCF-style: chr2-47800834-C-T. GRCh37 (hg19) VCF-style: chr2-48027973-C-T.
Other names: c.2461C>T, p.Leu821Phe (NM_001281492.2); c.1945C>T, p.Leu649Phe (NM_001281493.2, NM_001281494.2); short protein forms L951F, L649F, L821F.
Identifiers: ClinVar variation 483883 (VCV000483883.9), dbSNP rs759708484, ClinGen allele CA069700.
Genomic context (GRCh38, chr2:47,800,834, plus strand): 5'-GCAGGCTTTGACTCTGATTATGACCAAGCTCTTGCTGACATAAGAGAAAATGAACAGAGC[C>T]TCCTGGAATACCTAGAGAAACAGCGCAACAGAATTGGCTGTAGGACCATAGTCTATTGGG-3'
Protein context (NP_000170.1, residues 941-961): LADIRENEQS[Leu951Phe]LEYLEKQRNR

ClinVar aggregate classification (germline): Conflicting classifications of pathogenicity. Review status: criteria provided, conflicting classifications (1 of 4 stars). 3 submissions from 3 submitters: Uncertain significance (2); Likely benign (1). Last evaluated 2025-10-16.

Conditions:
Hereditary nonpolyposis colorectal neoplasms. Identifiers: MedGen C0009405, MeSH D003123.
Hereditary cancer-predisposing syndrome. Also called: Neoplastic Syndromes, Hereditary; Tumor predisposition; Hereditary Cancer Syndrome; Hereditary neoplastic syndrome. Identifiers: Orphanet 140162, MedGen C0027672, MeSH D009386, MONDO:0015356.
Endometrial carcinoma. Also called: Endometrial carcinoma, somatic. Identifiers: MedGen C0476089, MONDO:0002447, OMIM 608089, HP:0012114.

Allele frequency attached by ClinVar (database versions not stated): gnomAD exomes below 0.00001; ExAC 0.00001.
gnomAD v4.1: 1 of 1,614,084 alleles (0.000062%); highest among the groups gnomAD compares: South Asian, 0.0011%; no homozygotes.

Submissions (3):

Labcorp Genetics (formerly Invitae), Labcorp
Classification: Likely benign for Hereditary nonpolyposis colorectal neoplasms. Last evaluated: 2025-10-16. Review status: criteria provided, single submitter. Criteria: Invitae Variant Classification Sherloc (09022015). Collection method: clinical testing. Allele origin: germline.

Baylor Genetics
Classification: Uncertain significance for Endometrial carcinoma. Last evaluated: 2023-12-19. Review status: criteria provided, single submitter. Criteria: ACMG Guidelines, 2015. Collection method: clinical testing. Allele origin: unknown.

Ambry Genetics
Classification: Uncertain significance for Hereditary cancer-predisposing syndrome. Last evaluated: 2021-03-22. Review status: criteria provided, single submitter. Criteria: Ambry Variant Classification Scheme 2023. Collection method: clinical testing. Allele origin: germline.
Comment: The p.L951F variant (also known as c.2851C>T), located in coding exon 4 of the MSH6 gene, results from a C to T substitution at nucleotide position 2851. The leucine at codon 951 is replaced by phenylalanine, an amino acid with highly similar properties. This amino acid position is highly conserved in available vertebrate species. In addition, the in silico prediction for this alteration is inconclusive. Since supporting evidence is limited at this time, the clinical significance of this alteration remains unclear.